The following is an entry in ClinVar:

NM_001166108.2(PALLD):c.2027C>G (p.Thr676Arg)

Gene: PALLD (palladin, cytoskeletal associated protein; plus strand). Cytogenetic location: 4q32.3.
Variant type: single nucleotide variant.
Coding change: c.2027C>G on transcript NM_001166108.2 (MANE Select); coding-DNA position 2027, C replaced by G.
Protein change: p.Thr676Arg; replaces threonine 676 with arginine.
Molecular consequence: missense variant. On other transcripts: 5 prime UTR variant (4).
Genome position (GRCh38, 1-based): chr4:168,890,984, C>G. VCF-style: chr4-168890984-C-G. GRCh37 (hg19) VCF-style: chr4-169812135-C-G.
Other names: c.881C>G, p.Thr294Arg (NM_001166109.2); c.566C>G, p.Thr189Arg (NM_001166110.2); c.-95C>G (NM_001367567.1, NM_001367568.1, NM_001367569.1 and 1 more transcripts); c.2027C>G, p.Thr676Arg (NM_016081.4); short protein forms T189R, T294R, T676R.
Identifiers: ClinVar variation 3226763 (VCV003226763.1), dbSNP rs368056641, ClinGen allele CA358797189.

ClinVar aggregate classification (germline): Uncertain significance (1 of 4 stars; one submission).

Submission:

Ambry Genetics
Classification: Uncertain significance. Last evaluated: 2023-11-13. Review status: criteria provided, single submitter. Criteria: Ambry Variant Classification Scheme 2023. Collection method: clinical testing. Allele origin: germline.
Comment: The p.T676R variant (also known as c.2027C>G), located in coding exon 10 of the PALLD gene, results from a C to G substitution at nucleotide position 2027. The threonine at codon 676 is replaced by arginine, an amino acid with similar properties. This amino acid position is conserved. In addition, the in silico prediction for this alteration is inconclusive. Since supporting evidence is limited at this time, the clinical significance of this alteration remains unclear.